The following is an entry in ClinVar:

ClinVar aggregate classification (germline): Uncertain significance (1 of 4 stars; one submission).

Conditions:
ALG9 congenital disorder of glycosylation (CDG1L). Also called: CONGENITAL DISORDER OF GLYCOSYLATION, TYPE Il; ALG9-CDG; CDG Il. Identifiers: Orphanet 79328, MedGen C2931006, MONDO:0012117, OMIM 608776.

Submission:

Labcorp Genetics (formerly Invitae), Labcorp
Classification: Uncertain significance for ALG9 congenital disorder of glycosylation. Last evaluated: 2023-11-17. Review status: criteria provided, single submitter. Criteria: Invitae Variant Classification Sherloc (09022015). Collection method: clinical testing. Allele origin: germline.
Comment: This sequence change replaces phenylalanine, which is neutral and non-polar, with leucine, which is neutral and non-polar, at codon 633 of the ATP6V0A2 protein (p.Phe633Leu). This variant is present in population databases (no rsID available, gnomAD 0.0009%). This variant has not been reported in the literature in individuals affected with ATP6V0A2-related conditions. Advanced modeling of protein sequence and biophysical properties (such as structural, functional, and spatial information, amino acid conservation, physicochemical variation, residue mobility, and thermodynamic stability) performed at Invitae indicates that this missense variant is not expected to disrupt ATP6V0A2 protein function with a negative predictive value of 80%. In summary, the available evidence is currently insufficient to determine the role of this variant in disease. Therefore, it has been classified as a Variant of Uncertain Significance.

NM_012463.4(ATP6V0A2):c.1897T>C (p.Phe633Leu)

Genes: ATP6V0A2 (ATPase H+ transporting V0 subunit a2; plus strand), LOC126861666 (CDK7 strongly-dependent group 2 enhancer GRCh37_chr12:124232793-124233992; plus strand). Cytogenetic location: 12q24.31.
Variant type: single nucleotide variant.
Coding change: c.1897T>C on transcript NM_012463.4 (MANE Select); coding-DNA position 1897, T replaced by C.
Protein change: p.Phe633Leu; replaces phenylalanine 633 with leucine.
Molecular consequence: missense variant.
Genome position (GRCh38, 1-based): chr12:123,748,747, T>C. VCF-style: chr12-123748747-T-C. GRCh37 (hg19) VCF-style: chr12-124233294-T-C.
Other names: short protein forms F633L.
Identifiers: ClinVar variation 2771788 (VCV002771788.3), dbSNP rs1186132197, ClinGen allele CA387161401.